The following is an entry in ClinVar:

ClinVar aggregate classification (germline): Likely pathogenic (1 of 4 stars; one submission).

Conditions:
Thyroid hormone metabolism, abnormal 1 (THMA1). Also called: Short stature-delayed bone age due to thyroid hormone metabolism deficiency. Identifiers: Orphanet 171706, MedGen C5676891, MONDO:0800046, OMIM 609698.

Allele frequency attached by ClinVar (database versions not stated): TOPMed 0.00001; gnomAD 0.00002.
gnomAD v4.1: 5 of 1,613,644 alleles (0.00031%); highest among the groups gnomAD compares: African/African-American, 0.0013%; no homozygotes.

Submission:

Laboratory for Molecular Medicine, Mass General Brigham Personalized Medicine
Classification: Likely pathogenic for Thyroid hormone metabolism, abnormal 1. Last evaluated: 2020-06-19. Review status: criteria provided, single submitter. Criteria: LMM Criteria. Collection method: clinical testing. Allele origin: germline. Inheritance: Autosomal recessive inheritance. Observed: 1 variant allele.
Comment: The c.182+1G>A variant in SECISBP2 has not been reported in individuals with disease but was identified in 1/1086 of Other chromosomes by gnomAD. This variant occurs within the canonical splice site (+/- 1,2) and is predicted to cause altered splicing leading to an abnormal or absent protein. Loss of function of the SECISBP2 gene has been associated with autosomal recessive Selenoprotein-related disease. In summary, although additional studies are required to fully establish its clinical significance, this variant meets criteria to be classified as likely pathogenic for autosomal recessive selenoprotein-related disease. ACMG/AMP Criteria applied: PM2, PVS1_Strong.

NM_024077.5(SECISBP2):c.182+1G>A

Gene: SECISBP2 (SECIS binding protein 2; plus strand). Cytogenetic location: 9q22.2.
Variant type: single nucleotide variant.
Coding change: c.182+1G>A on transcript NM_024077.5 (MANE Select); the canonical splice donor site of the intron after coding-DNA position 182, G replaced by A.
Molecular consequence: splice donor variant.
Genome position (GRCh38, 1-based): chr9:89,319,798, G>A. VCF-style: chr9-89319798-G-A. GRCh37 (hg19) VCF-style: chr9-91934713-G-A.
Other names: c.-666+1G>A (NM_001354702.2); c.182+1G>A (NM_001354697.2, NM_001354696.2, NM_001354698.2 and 1 more transcripts); c.84+1G>A (NM_001282689.2); c.-23+1G>A (NM_001282690.1).
Identifiers: ClinVar variation 1120062 (VCV001120062.4), dbSNP rs1477854736, ClinGen allele CA373990256.